The following is an entry in ClinVar:

ClinVar aggregate classification (germline): Uncertain significance (1 of 4 stars; one submission).

Submission:

Ambry Genetics
Classification: Uncertain significance. Last evaluated: 2026-01-06. Review status: criteria provided, single submitter. Criteria: Ambry Variant Classification Scheme 2023. Collection method: clinical testing. Allele origin: germline.
Comment: The p.H468R variant (also known as c.1403A>G), located in coding exon 6 of the WNK2 gene, results from an A to G substitution at nucleotide position 1403. The histidine at codon 468 is replaced by arginine, an amino acid with highly similar properties. This amino acid position is conserved. In addition, this alteration is predicted to be tolerated by in silico analysis. Based on the available evidence, the clinical significance of this variant remains unclear.

NM_006648.4(WNK2):c.1403A>G (p.His468Arg)

Gene: WNK2 (WNK lysine deficient protein kinase 2; plus strand). Cytogenetic location: 9q22.31.
Variant type: single nucleotide variant.
Coding change: c.1403A>G on transcript NM_006648.4 (MANE Select); coding-DNA position 1403, A replaced by G.
Protein change: p.His468Arg; replaces histidine 468 with arginine.
Molecular consequence: missense variant.
Genome position (GRCh38, 1-based): chr9:93,239,837, A>G. VCF-style: chr9-93239837-A-G. GRCh37 (hg19) VCF-style: chr9-96002119-A-G.
Other names: c.1403A>G, p.His468Arg (NM_001282394.3); short protein forms H468R.
Identifiers: ClinVar variation 4842129 (VCV004842129.1).
Genomic context (GRCh38, chr9:93,239,837, plus strand): 5'-TGAGCCACGCCTTCTTCGCAGAGGACACAGGCGTGAGGGTGGAGCTCGCGGAGGAGGACC[A>G]CGGCAGGAAGTCCACCATCGCCCTGAGGCTCTGGGTGGAAGACCCCAAGAAACTGAAGGG-3'
Protein context (NP_006639.3, residues 458-478): GVRVELAEED[His468Arg]GRKSTIALRL